The following is an entry in ClinVar:

NC_000001.10:g.(?_24140670)_(24194786_?)del

Genes: FUCA1 (alpha-L-fucosidase 1; minus strand), HMGCL (3-hydroxy-3-methylglutaryl-CoA lyase; minus strand). Cytogenetic location: 1p36.11.
Variant type: Deletion.
Identifiers: ClinVar variation 1076611 (VCV001076611.3).

ClinVar aggregate classification (germline): Pathogenic (1 of 4 stars; one submission).

Conditions:
Deficiency of hydroxymethylglutaryl-CoA lyase (HMGCLD). Also called: HMGCL DEFICIENCY; Defect in leucine metabolism; 3-hydroxy-3-methylglutaric aciduria; HYDROXYMETHYLGLUTARIC ACIDURIA; HMG-CoA LYASE DEFICIENCY. Identifiers: Orphanet 20, MedGen C1533587, MONDO:0009520, OMIM 246450.

Submission:

Labcorp Genetics (formerly Invitae), Labcorp
Classification: Pathogenic for Deficiency of hydroxymethylglutaryl-CoA lyase. Last evaluated: 2020-07-07. Review status: criteria provided, single submitter. Criteria: Invitae Variant Classification Sherloc (09022015). Collection method: clinical testing. Allele origin: germline.
Comment: For these reasons, this variant has been classified as Pathogenic. Loss-of-function variants in HMGCL are known to be pathogenic (PMID: 9817922, 17692550, 23465862). This variant has not been reported in the literature in individuals with HMGCL-related conditions. This variant is a gross deletion of the genomic region encompassing exon(s) 1-5 of the HMGCL gene, which includes the initiator codon. The 5' end of this event is unknown as it extends beyond the assayed region for this gene and therefore may encompass additional genes. The 3' boundary is likely confined to intron 5 of the HMGCL gene. This is expected to result in an absent or disrupted protein product.

Literature cited by the submitters: PubMed 9817922; PubMed 17692550; PubMed 23465862.